The following is an entry in ClinVar:

ClinVar aggregate classification (germline): Benign/Likely benign. Review status: criteria provided, multiple submitters, no conflicts (2 of 4 stars). 5 submissions from 5 submitters: Benign (1); Likely benign (2). 2 of the submissions do not count toward it. Last evaluated 2026-02-02.

Conditions:
MESP2-related disorder. Also called: MESP2-related condition.
Spondylocostal dysostosis 2, autosomal recessive (SCDO2). Also called: MESP2-Related Spondylocostal Dysostosis, Autosomal Recessive; Spondylocostal dysostosis type 2. Identifiers: Orphanet 2311, MedGen C1837549, MONDO:0012097, OMIM 608681.

Allele frequency attached by ClinVar (database versions not stated): gnomAD exomes 0.00154 and 0.00470; gnomAD 0.00162 and 0.00193; TOPMed 0.00265; 1000 Genomes Project 0.00459; 1000 Genomes Project 30x 0.00484; ExAC 0.00510.
gnomAD v4.1: 2,546 of 1,611,070 alleles (0.16%); highest among the groups gnomAD compares: East Asian, 3.5%; 54 homozygotes.

Submissions (5):

Labcorp Genetics (formerly Invitae), Labcorp
Classification: Benign. Last evaluated: 2026-02-02. Review status: criteria provided, single submitter. Criteria: Invitae Variant Classification Sherloc (09022015). Collection method: clinical testing. Allele origin: germline.

Illumina Laboratory Services, Illumina
Classification: Likely benign for Spondylocostal dysostosis 2, autosomal recessive. Last evaluated: 2017-04-27. Review status: criteria provided, single submitter. Criteria: ICSL Variant Classification Criteria 13 December 2019. Collection method: clinical testing. Allele origin: germline.
Comment: This variant was observed as part of a predisposition screen in an ostensibly healthy population. A literature search was performed for the gene, cDNA change, and amino acid change (where applicable). No publications were found based on this search. Allele frequency data from public databases allowed determination this variant is unlikely to cause disease. Therefore, this variant is classified as likely benign.

Breakthrough Genomics
Classification: Likely benign. Review status: criteria provided, single submitter. Criteria: ACMG Guidelines, 2015. Collection method: not provided. Allele origin: germline. Inheritance: Autosomal recessive inheritance. Affected: yes.

Natera, Inc.
Classification: Likely benign for Spondylocostal dysostosis type 2. Last evaluated: 2019-12-09. Review status: no assertion criteria provided. Collection method: clinical testing. Allele origin: germline. Not counted in ClinVar's aggregate classification.

PreventionGenetics, part of Exact Sciences
Classification: Benign for MESP2-related condition. Last evaluated: 2019-04-17. Review status: no assertion criteria provided. Collection method: clinical testing. Allele origin: germline. Not counted in ClinVar's aggregate classification.
Comment: This variant is classified as benign based on ACMG/AMP sequence variant interpretation guidelines (Richards et al. 2015 PMID: 25741868, with internal and published modifications).

NM_001039958.2(MESP2):c.908T>C (p.Leu303Pro)

Gene: MESP2 (mesoderm posterior bHLH transcription factor 2; plus strand). Cytogenetic location: 15q26.1.
Variant type: single nucleotide variant.
Coding change: c.908T>C on transcript NM_001039958.2 (MANE Select); coding-DNA position 908, T replaced by C.
Protein change: p.Leu303Pro; replaces leucine 303 with proline.
Molecular consequence: missense variant.
Genome position (GRCh38, 1-based): chr15:89,777,265, T>C. VCF-style: chr15-89777265-T-C. GRCh37 (hg19) VCF-style: chr15-90320496-T-C.
Other names: short protein forms L303P.
Identifiers: ClinVar variation 257249 (VCV000257249.22), dbSNP rs185706635, ClinGen allele CA7730529.